The following is an entry in ClinVar:

ClinVar aggregate classification (germline): Uncertain significance (1 of 4 stars; one submission).

Conditions:
Pheochromocytoma/paraganglioma syndrome 5. Also called: Paragangliomas 5; SDHA-Related Hereditary Paraganglioma-Pheochromocytoma Syndrome. Identifiers: Orphanet 29072, MedGen C3279992, MONDO:0013602, OMIM 614165.
Mitochondrial complex II deficiency, nuclear type 1. Also called: SUCCINATE CoQ REDUCTASE DEFICIENCY. Identifiers: Orphanet 3208, MedGen C5700310, MONDO:0100294, OMIM 252011.

Submission:

Labcorp Genetics (formerly Invitae), Labcorp
Classification: Uncertain significance for Pheochromocytoma/paraganglioma syndrome 5; Mitochondrial complex II deficiency, nuclear type 1. Last evaluated: 2022-07-03. Review status: criteria provided, single submitter. Criteria: Invitae Variant Classification Sherloc (09022015). Collection method: clinical testing. Allele origin: germline.
Comment: In summary, the available evidence is currently insufficient to determine the role of this variant in disease. Therefore, it has been classified as a Variant of Uncertain Significance. Algorithms developed to predict the effect of missense changes on protein structure and function are either unavailable or do not agree on the potential impact of this missense change (SIFT: "Deleterious"; PolyPhen-2: "Possibly Damaging"; Align-GVGD: "Class C0"). ClinVar contains an entry for this variant (Variation ID: 656424). This variant has not been reported in the literature in individuals affected with SDHA-related conditions. This variant is not present in population databases (gnomAD no frequency). This sequence change replaces isoleucine, which is neutral and non-polar, with leucine, which is neutral and non-polar, at codon 300 of the SDHA protein (p.Ile300Leu).

NM_004168.4(SDHA):c.898A>C (p.Ile300Leu)

Gene: SDHA (succinate dehydrogenase complex flavoprotein subunit A; plus strand). Cytogenetic location: 5p15.33.
Variant type: single nucleotide variant.
Coding change: c.898A>C on transcript NM_004168.4 (MANE Select); coding-DNA position 898, A replaced by C.
Protein change: p.Ile300Leu; replaces isoleucine 300 with leucine.
Molecular consequence: missense variant.
Genome position (GRCh38, 1-based): chr5:233,479, A>C. VCF-style: chr5-233479-A-C. GRCh37 (hg19) VCF-style: chr5-233594-A-C.
Other names: c.754A>C, p.Ile252Leu (NM_001294332.2); c.898A>C, p.Ile300Leu (NM_001330758.2); short protein forms I300L, I252L.
Identifiers: ClinVar variation 656424 (VCV000656424.9), dbSNP rs1448561231, ClinGen allele CA359012509.